The following is an entry in ClinVar:

ClinVar aggregate classification (germline): Uncertain significance (1 of 4 stars; one submission).

gnomAD v4.1: 9 of 1,545,428 alleles (0.00058%); highest among the groups gnomAD compares: African/African-American, 0.011%; 1 homozygote.

Submission:

Labcorp Genetics (formerly Invitae), Labcorp
Classification: Uncertain significance. Last evaluated: 2025-04-17. Review status: criteria provided, single submitter. Criteria: Invitae Variant Classification Sherloc (09022015). Collection method: clinical testing. Allele origin: germline.
Comment: This sequence change replaces glutamine, which is neutral and polar, with proline, which is neutral and non-polar, at codon 127 of the ARID1B protein (p.Gln127Pro). The frequency data for this variant in the population databases is considered unreliable, as metrics indicate poor data quality at this position in the gnomAD database. This variant has not been reported in the literature in individuals affected with ARID1B-related conditions. ClinVar contains an entry for this variant (Variation ID: 3621696). Invitae Evidence Modeling of protein sequence and biophysical properties (such as structural, functional, and spatial information, amino acid conservation, physicochemical variation, residue mobility, and thermodynamic stability) indicates that this missense variant is not expected to disrupt ARID1B protein function with a negative predictive value of 95%. In summary, the available evidence is currently insufficient to determine the role of this variant in disease. Therefore, it has been classified as a Variant of Uncertain Significance.

NM_001374828.1(ARID1B):c.629A>C (p.Gln210Pro)

Genes: ARID1B (AT-rich interaction domain 1B; plus strand), LOC115308161 (uncharacterized LOC115308161; minus strand). Cytogenetic location: 6q25.3.
Variant type: single nucleotide variant.
Coding change: c.629A>C on transcript NM_001374828.1 (MANE Select); coding-DNA position 629, A replaced by C.
Protein change: p.Gln210Pro; replaces glutamine 210 with proline.
Molecular consequence: missense variant. On other transcripts: non-coding transcript variant (1).
Genome position (GRCh38, 1-based): chr6:156,778,309, A>C. VCF-style: chr6-156778309-A-C. GRCh37 (hg19) VCF-style: chr6-157099443-A-C.
Other names: c.629A>C, p.Gln210Pro (NM_001371656.1, NM_001374820.1, NM_017519.3); short protein forms Q210P.
Identifiers: ClinVar variation 3621696 (VCV003621696.2).